The following is an entry in ClinVar:

NM_000540.3(RYR1):c.8616+7G>A

Genes: RYR1 (ryanodine receptor 1; plus strand), LOC126862902 (BRD4-independent group 4 enhancer GRCh37_chr19:38995830-38997029; plus strand). Cytogenetic location: 19q13.2.
Variant type: single nucleotide variant.
Coding change: c.8616+7G>A on transcript NM_000540.3 (MANE Select); 7 bases into the intron after coding-DNA position 8616, G replaced by A.
Molecular consequence: intron variant.
Genome position (GRCh38, 1-based): chr19:38,506,384, G>A. VCF-style: chr19-38506384-G-A. GRCh37 (hg19) VCF-style: chr19-38997024-G-A.
Other names: p.?; c.8616+7G>A (NM_001042723.2).
Identifiers: ClinVar variation 93301 (VCV000093301.60), dbSNP rs200023171, ClinGen allele CA024936.

ClinVar aggregate classification (germline): Benign/Likely benign. Review status: criteria provided, multiple submitters, no conflicts (2 of 4 stars). 15 submissions from 13 submitters: Benign (3); Likely benign (10). 2 of the submissions do not count toward it. Last evaluated 2026-03-01.

Conditions:
RYR1-related disorder. Also called: RYR1-related disorders; RYR1-related condition. Identifiers: MedGen CN239331.
Congenital multicore myopathy with external ophthalmoplegia (CMYO1B). Also called: MULTICORE MYOPATHY; Minicore myopathy with external ophthalmoplegia; MULTIMINICORE DISEASE WITH EXTERNAL OPHTHALMOPLEGIA; Congenital myopathy 1B, autosomal recessive; Minicore myopathy. Identifiers: Orphanet 598, Orphanet 98905, MedGen C1850674, MONDO:0009712, OMIM 255320, HP:0003789.
Central core myopathy (CMYO1A). Also called: CONGENITAL MYOPATHY 1A, AUTOSOMAL DOMINANT, WITH SUSCEPTIBILITY TO MALIGNANT HYPERTHERMIA; Central core disease; Myopathy, central fibrillar. Identifiers: Orphanet 597, MedGen C5830701, MONDO:0007294, OMIM 117000.
Malignant hyperthermia, susceptibility to, 1 (MHS1). Also called: RYR1-Related Malignant Hyperthermia Susceptibility; Anesthesia related hyperthermia; Malignant hyperpyrexia; Fulminating hyperpyrexia; Pharmacogenic myopathy; Malignant hyperthermia suceptibility 1. Identifiers: Orphanet 423, MedGen C2930980, MONDO:0007783, OMIM 145600.

Allele frequency attached by ClinVar (database versions not stated): ESP Exome Variant Server 0.00031; gnomAD 0.00031 and 0.00058; TOPMed 0.00040; gnomAD exomes 0.00152; ExAC 0.00162; 1000 Genomes Project 30x 0.00265; 1000 Genomes Project 0.00339.
gnomAD v4.1: 1,345 of 1,613,744 alleles (0.083%); highest among the groups gnomAD compares: South Asian, 0.86%; 14 homozygotes.

Submissions (15):

CeGaT Center for Human Genetics Tuebingen
Classification: Likely benign. Last evaluated: 2026-03-01. Review status: criteria provided, single submitter. Criteria: CeGaT Center For Human Genetics Tuebingen Variant Classification Criteria Version 2. Collection method: clinical testing. Allele origin: germline. Affected: yes. Observed: 11 variant alleles.
Comment: RYR1: BP4, BS2

Labcorp Genetics (formerly Invitae), Labcorp
Classification: Benign for RYR1-related disorder. Last evaluated: 2026-02-03. Review status: criteria provided, single submitter. Criteria: Invitae Variant Classification Sherloc (09022015). Collection method: clinical testing. Allele origin: germline.

Genomic Medicine Center of Excellence, King Faisal Specialist Hospital and Research Centre
Classification: Likely benign. Last evaluated: 2025-08-18. Review status: criteria provided, single submitter. Criteria: ACMG Guidelines, 2015. Collection method: clinical testing. Allele origin: germline.

Mayo Clinic Laboratories, Mayo Clinic
Classification: Benign. Last evaluated: 2024-12-02. Review status: criteria provided, single submitter. Criteria: ACMG Guidelines, 2015. Collection method: clinical testing. Allele origin: germline. Observed: 5 variant alleles.
Comment: BS1, BS2, BP4, BP7

Blueprint Genetics
Classification: Likely benign. Last evaluated: 2024-11-25. Review status: criteria provided, single submitter. Criteria: ACMG Guidelines, 2015. Collection method: clinical testing. Allele origin: germline.

Illumina Laboratory Services, Illumina
Classification: Likely benign for Central core myopathy. Last evaluated: 2019-06-17. Review status: criteria provided, single submitter. Criteria: ICSL Variant Classification Criteria 13 December 2019. Collection method: clinical testing. Allele origin: germline.
Comment: This variant was observed as part of a predisposition screen in an ostensibly healthy population. A literature search was performed for the gene, cDNA change, and amino acid change (where applicable). Publications were found based on this search. The evidence from the literature, in combination with allele frequency data from public databases where available, was sufficient to determine this variant is unlikely to cause disease. Therefore, this variant is classified as likely benign.

Illumina Laboratory Services, Illumina
Classification: Likely benign for Congenital multicore myopathy with external ophthalmoplegia. Last evaluated: 2019-06-17. Review status: criteria provided, single submitter. Criteria: ICSL Variant Classification Criteria 13 December 2019. Collection method: clinical testing. Allele origin: germline.
Comment: the same text as in the submission from Illumina Laboratory Services, Illumina above.

Illumina Laboratory Services, Illumina
Classification: Likely benign for Malignant hyperthermia, susceptibility to, 1. Last evaluated: 2019-06-17. Review status: criteria provided, single submitter. Criteria: ICSL Variant Classification Criteria 13 December 2019. Collection method: clinical testing. Allele origin: germline.
Comment: the same text as in the submission from Illumina Laboratory Services, Illumina above.

GeneDx
Classification: Likely benign. Last evaluated: 2018-04-12. Review status: criteria provided, single submitter. Criteria: GeneDx Variant Classification Process June 2021. Collection method: clinical testing. Allele origin: germline. Affected: yes.
Comment: This variant is associated with the following publications: (PMID: 19191333)

Athena Diagnostics
Classification: Likely benign. Last evaluated: 2017-02-03. Review status: criteria provided, single submitter. Criteria: Athena Diagnostics Criteria. Collection method: clinical testing. Allele origin: germline.

PreventionGenetics, part of Exact Sciences
Classification: Benign. Last evaluated: 2016-05-30. Review status: criteria provided, single submitter. Criteria: ACMG Guidelines, 2015. Collection method: clinical testing. Allele origin: germline.

Eurofins Ntd Llc (ga)
Classification: Likely benign. Last evaluated: 2015-07-10. Review status: criteria provided, single submitter. Criteria: EGL Classification Definitions 2015. Collection method: clinical testing. Allele origin: germline. Observed: 3 variant alleles, 3 heterozygotes.

Breakthrough Genomics
Classification: Likely benign. Review status: criteria provided, single submitter. Criteria: ACMG Guidelines, 2015. Collection method: not provided. Allele origin: germline. Inheritance: Autosomal recessive inheritance. Affected: yes.

Genome Diagnostics Laboratory, University Medical Center Utrecht
Classification: Likely benign. Review status: no assertion criteria provided. Collection method: clinical testing. Allele origin: germline. Affected: yes. Study: VKGL Data-share Consensus. Not counted in ClinVar's aggregate classification.

Laboratory of Diagnostic Genome Analysis, Leiden University Medical Center (LUMC)
Classification: Likely benign. Review status: no assertion criteria provided. Collection method: clinical testing. Allele origin: germline. Affected: yes. Study: VKGL Data-share Consensus. Not counted in ClinVar's aggregate classification.

Literature cited by the submitters: PubMed 19191333 (cited by Illumina Laboratory Services, Illumina and Athena Diagnostics).